The following is an entry in ClinVar:

NC_000009.12:g.(?_105606576)_(105641128_?)del

Gene: FKTN (fukutin; plus strand). Cytogenetic location: 9q31.2.
Variant type: Deletion.
Identifiers: ClinVar variation 830968 (VCV000830968.7).

ClinVar aggregate classification (germline): Pathogenic (1 of 4 stars; one submission).

Conditions:
Walker-Warburg congenital muscular dystrophy. Also called: Muscular dystrophy-dystroglycanopathy, type A; Walker-Warburg syndrome. Identifiers: Orphanet 899, MedGen C0265221, MONDO:0000171.

Submission:

Labcorp Genetics (formerly Invitae), Labcorp
Classification: Pathogenic for Walker-Warburg congenital muscular dystrophy. Last evaluated: 2019-03-04. Review status: criteria provided, single submitter. Criteria: Invitae Variant Classification Sherloc (09022015). Collection method: clinical testing. Allele origin: germline.
Comment: For these reasons, this variant has been classified as Pathogenic. This variant disrupts the C-terminus of the FKTN protein. Other variant(s) that disrupt this region (p.Phe390Ilefs*14) have been determined to be pathogenic (PMID: 17878207, 18752264, 19266496). This suggests that variants that disrupt this region of the protein are likely to be causative of disease. This variant has not been reported in the literature in individuals with FKTN-related conditions. This variant is a gross deletion of the genomic region encompassing exons 7-11 of the FKTN gene. The 5' boundary is likely confined to intron 4. The 3' end of this event is unknown as it extends through the termination codon beyond the assayed region for this gene and may encompass additional genes. While this deletion is not anticipated to result in nonsense mediated decay, it is expected to create a truncated protein product or disrupt mRNA translation.

Literature cited by the submitters: PubMed 17878207; PubMed 18752264; PubMed 19266496.